The following is an entry in ClinVar:

NM_001164508.2(NEB):c.9919A>G (p.Met3307Val)

Gene: NEB (nebulin; minus strand). Cytogenetic location: 2q23.3.
Variant type: single nucleotide variant.
Coding change: c.9919A>G on transcript NM_001164508.2 (MANE Select); coding-DNA position 9919, A replaced by G.
Protein change: p.Met3307Val; replaces methionine 3307 with valine.
Molecular consequence: missense variant.
Genome position (GRCh38, 1-based): chr2:151,627,747, T>C on the plus strand (A>G on the coding strand, the complement: NEB is on the minus strand). VCF-style: chr2-151627747-T-C. GRCh37 (hg19) VCF-style: chr2-152484261-T-C.
Other names: c.9919A>G, p.Met3307Val (NM_001164507.2, NM_001271208.2); c.9190A>G, p.Met3064Val (NM_004543.5); c.9190A>G (NM_004543.4); short protein forms M3064V, M3307V.
Identifiers: ClinVar variation 2049655 (VCV002049655.4), dbSNP rs776643734, ClinGen allele CA1909162.
Genomic context (GRCh38, chr2:151,627,747, plus strand): 5'-TCTTCCACTTCTCAAAGTCCTTCTTATACTCCCTGTCACTCTGGATCTTGGCCACATGCA[T>C]GGACCACATCATCTTGGGGTCATCTTCAATGTTCCGGGCTCCAATGTGGTGGCCGAGCTG-3'
Protein context (NP_001157980.2, residues 3297-3317): IEDDPKMMWS[Met3307Val]HVAKIQSDRE

ClinVar aggregate classification (germline): Uncertain significance. Review status: criteria provided, multiple submitters, no conflicts (2 of 4 stars). 3 submissions from 3 submitters: Uncertain significance (3). Last evaluated 2024-02-21.

Conditions:
Nemaline myopathy 2 (NEM2). Also called: Nemaline myopathy 2, autosomal recessive. Identifiers: MedGen C1850569, MONDO:0009725, OMIM 256030.
Inborn genetic diseases. Identifiers: MedGen C0950123, MeSH D030342.

Allele frequency attached by ClinVar (database versions not stated): ExAC 0.00001; gnomAD 0.00001; gnomAD exomes 0.00001; TOPMed 0.00002.
gnomAD v4.1: 12 of 1,613,862 alleles (0.00074%); highest among the groups gnomAD compares: African/African-American, 0.0013%; no homozygotes.

Submissions (3):

Ambry Genetics
Classification: Uncertain significance for Inborn genetic diseases. Last evaluated: 2024-02-21. Review status: criteria provided, single submitter. Criteria: Ambry Variant Classification Scheme 2023. Collection method: clinical testing. Allele origin: germline.

Revvity Omics, Revvity
Classification: Uncertain significance. Last evaluated: 2023-02-03. Review status: criteria provided, single submitter. Criteria: ACMG Guidelines, 2015. Collection method: clinical testing. Allele origin: germline.

Labcorp Genetics (formerly Invitae), Labcorp
Classification: Uncertain significance for Nemaline myopathy 2. Last evaluated: 2022-10-18. Review status: criteria provided, single submitter. Criteria: Invitae Variant Classification Sherloc (09022015). Collection method: clinical testing. Allele origin: germline.
Comment: This sequence change replaces methionine, which is neutral and non-polar, with valine, which is neutral and non-polar, at codon 3307 of the NEB protein (p.Met3307Val). This variant is present in population databases (rs776643734, gnomAD 0.002%). This variant has not been reported in the literature in individuals affected with NEB-related conditions. Algorithms developed to predict the effect of missense changes on protein structure and function are either unavailable or do not agree on the potential impact of this missense change (SIFT: "Deleterious"; PolyPhen-2: "Not Available"; Align-GVGD: "Class C0"). In summary, the available evidence is currently insufficient to determine the role of this variant in disease. Therefore, it has been classified as a Variant of Uncertain Significance.